The following is an entry in ClinVar:

NM_014171.6(CRIPT):c.263A>G (p.Lys88Arg)

Gene: CRIPT (CXXC repeat containing interactor of PDZ3 domain; plus strand). Cytogenetic location: 2p21.
Variant type: single nucleotide variant.
Coding change: c.263A>G on transcript NM_014171.6 (MANE Select); coding-DNA position 263, A replaced by G.
Protein change: p.Lys88Arg; replaces lysine 88 with arginine.
Molecular consequence: missense variant.
Genome position (GRCh38, 1-based): chr2:46,624,184, A>G. VCF-style: chr2-46624184-A-G. GRCh37 (hg19) VCF-style: chr2-46851323-A-G.
Other names: short protein forms K88R.
Identifiers: ClinVar variation 2607520 (VCV002607520.3), dbSNP rs567292296, ClinGen allele CA1646378.
Genomic context (GRCh38, chr2:46,624,184, plus strand): 5'-ATTATGATTTGATTGATCACATATCTTCTTTTGTTTCAGGCATCTGTGCGATGTGTGGAA[A>G]AAAGGTTTTGGATACCAAAAACTACAAGCAAACATCTGTCTAGATGTATTGATGGAATTT-3'
Protein context (NP_054890.1, residues 78-98): YKKGICAMCG[Lys88Arg]KVLDTKNYKQ

ClinVar aggregate classification (germline): Uncertain significance. Review status: criteria provided, multiple submitters, no conflicts (2 of 4 stars). 2 submissions from 2 submitters: Uncertain significance (2). Last evaluated 2025-12-24.

Conditions:
Inborn genetic diseases. Identifiers: MedGen C0950123, MeSH D030342.

Allele frequency attached by ClinVar (database versions not stated): gnomAD 0.00001; ExAC 0.00002; 1000 Genomes Project 30x 0.00016; TOPMed 0.00001; 1000 Genomes Project 0.00020; gnomAD exomes below 0.00001.

Submissions (2):

Labcorp Genetics (formerly Invitae), Labcorp
Classification: Uncertain significance. Last evaluated: 2025-12-24. Review status: criteria provided, single submitter. Criteria: Invitae Variant Classification Sherloc (09022015). Collection method: clinical testing. Allele origin: germline.
Comment: This sequence change replaces lysine, which is basic and polar, with arginine, which is basic and polar, at codon 88 of the CRIPT protein (p.Lys88Arg). This variant is present in population databases (rs567292296, gnomAD 0.04%). This variant has not been reported in the literature in individuals affected with CRIPT-related conditions. ClinVar contains an entry for this variant (Variation ID: 2607520). An algorithm developed to predict the effect of missense changes on protein structure and function (PolyPhen-2) suggests that this variant is likely to be tolerated. In summary, the available evidence is currently insufficient to determine the role of this variant in disease. Therefore, it has been classified as a Variant of Uncertain Significance.

Ambry Genetics
Classification: Uncertain significance for Inborn genetic diseases. Last evaluated: 2023-06-29. Review status: criteria provided, single submitter. Criteria: Ambry Variant Classification Scheme 2023. Collection method: clinical testing. Allele origin: germline.